The following is an entry in ClinVar:

NM_016653.3(MAP3K20):c.583-18A>G

Genes: MAP3K20 (mitogen-activated protein kinase kinase kinase 20; plus strand), MAP3K20-AS1 (MAP3K20 antisense RNA 1; minus strand). Cytogenetic location: 2q31.1.
Variant type: single nucleotide variant.
Coding change: c.583-18A>G on transcript NM_016653.3 (MANE Select); 18 bases into the intron before coding-DNA position 583, A replaced by G.
Molecular consequence: intron variant. On other transcripts: non-coding transcript variant (1).
Genome position (GRCh38, 1-based): chr2:173,198,008, A>G. VCF-style: chr2-173198008-A-G. GRCh37 (hg19) VCF-style: chr2-174062736-A-G.
Other names: c.583-18A>G (NM_133646.3).
Identifiers: ClinVar variation 1529146 (VCV001529146.16), dbSNP rs146924556, ClinGen allele CA1970447.

ClinVar aggregate classification (germline): Benign/Likely benign. Review status: criteria provided, multiple submitters, no conflicts (2 of 4 stars). 3 submissions from 3 submitters: Benign (1); Likely benign (2). Last evaluated 2026-05-01.

Allele frequency attached by ClinVar (database versions not stated): ESP Exome Variant Server 0.00277; gnomAD 0.00331 and 0.00350; TOPMed 0.00337; ExAC 0.00416; gnomAD exomes 0.00433 and 0.00470; 1000 Genomes Project 30x 0.00515; 1000 Genomes Project 0.00519.
gnomAD v4.1: 7,345 of 1,601,386 alleles (0.46%); highest among the groups gnomAD compares: Middle Eastern, 0.87%; 28 homozygotes.

Submissions (3):

CeGaT Center for Human Genetics Tuebingen
Classification: Likely benign. Last evaluated: 2026-05-01. Review status: criteria provided, single submitter. Criteria: CeGaT Center For Human Genetics Tuebingen Variant Classification Criteria Version 2. Collection method: clinical testing. Allele origin: germline. Affected: yes. Observed: 5 variant alleles.
Comment: MAP3K20-AS1: BS2

Labcorp Genetics (formerly Invitae), Labcorp
Classification: Benign. Last evaluated: 2026-01-22. Review status: criteria provided, single submitter. Criteria: Invitae Variant Classification Sherloc (09022015). Collection method: clinical testing. Allele origin: germline.

Blueprint Genetics
Classification: Likely benign. Last evaluated: 2024-11-21. Review status: criteria provided, single submitter. Criteria: ACMG Guidelines, 2015. Collection method: clinical testing. Allele origin: germline.